The following is an entry in ClinVar:

NM_014679.5(CEP57):c.713T>C (p.Leu238Pro)

Gene: CEP57 (centrosomal protein 57; plus strand). Cytogenetic location: 11q21.
Variant type: single nucleotide variant.
Coding change: c.713T>C on transcript NM_014679.5 (MANE Select); coding-DNA position 713, T replaced by C.
Protein change: p.Leu238Pro; replaces leucine 238 with proline.
Molecular consequence: missense variant. On other transcripts: intron variant (5).
Genome position (GRCh38, 1-based): chr11:95,821,884, T>C. VCF-style: chr11-95821884-T-C. GRCh37 (hg19) VCF-style: chr11-95555048-T-C.
Other names: c.686T>C, p.Leu229Pro (NM_001243776.2); c.713T>C, p.Leu238Pro (NM_001243777.2); c.632T>C, p.Leu211Pro (NM_001363604.2, NM_001440869.1, NM_001440870.1); c.596T>C, p.Leu199Pro (NM_001440872.1, NM_001440876.1); c.533T>C, p.Leu178Pro (NM_001440873.1); c.515T>C, p.Leu172Pro (NM_001440877.1, NM_001440878.1); c.452T>C, p.Leu151Pro (NM_001440880.1); c.416T>C, p.Leu139Pro (NM_001440881.1); and 5 more; short protein forms L151P, L172P, L178P, L229P, L199P, L211P, L139P, L238P.
Identifiers: ClinVar variation 4845106 (VCV004845106.1).

ClinVar aggregate classification (germline): Uncertain significance (1 of 4 stars; one submission).

Conditions:
Inborn genetic diseases. Identifiers: MedGen C0950123, MeSH D030342.

gnomAD v4.1: 1 of 1,610,704 alleles (0.000062%); no homozygotes.

Submission:

Ambry Genetics
Classification: Uncertain significance for Inborn genetic diseases. Last evaluated: 2026-02-18. Review status: criteria provided, single submitter. Criteria: Ambry Variant Classification Scheme 2023. Collection method: clinical testing. Allele origin: germline.
Comment: The p.L238P variant (also known as c.713T>C), located in coding exon 7 of the CEP57 gene, results from a T to C substitution at nucleotide position 713. The leucine at codon 238 is replaced by proline, an amino acid with similar properties. This amino acid position is conserved. In addition, this alteration is predicted to be deleterious by in silico analysis. Based on the available evidence, the clinical significance of this variant remains unclear.